The following is an entry in ClinVar:

ClinVar aggregate classification (germline): Pathogenic (1 of 4 stars; one submission).

Conditions:
COG1 congenital disorder of glycosylation (CDG2G). Also called: CONGENITAL DISORDER OF GLYCOSYLATION, TYPE IIg; CDG IIg; CDGII/COG1 CEREBROCOSTOMANDIBULAR-LIKE SYNDROME. Identifiers: Orphanet 263508, MedGen C2931011, MONDO:0012637, OMIM 611209.

Submission:

Labcorp Genetics (formerly Invitae), Labcorp
Classification: Pathogenic for COG1 congenital disorder of glycosylation. Last evaluated: 2025-03-11. Review status: criteria provided, single submitter. Criteria: Invitae Variant Classification Sherloc (09022015). Collection method: clinical testing. Allele origin: germline.
Comment: This sequence change creates a premature translational stop signal (p.Arg889Profs*29) in the COG1 gene. It is expected to result in an absent or disrupted protein product. Loss-of-function variants in COG1 are known to be pathogenic (PMID: 16537452). This variant is not present in population databases (gnomAD no frequency). This variant has not been reported in the literature in individuals affected with COG1-related conditions. For these reasons, this variant has been classified as Pathogenic.

Literature cited by the submitters: PubMed 16537452.

NM_018714.3(COG1):c.2665_2666insCG (p.Arg889fs)

Gene: COG1 (component of oligomeric golgi complex 1; plus strand). Cytogenetic location: 17q25.1.
Variant type: Insertion.
Coding change: c.2665_2666insCG on transcript NM_018714.3 (MANE Select); coding-DNA positions 2665 to 2666, CG inserted.
Protein change: p.Arg889fs; shifts the reading frame from arginine 889.
Molecular consequence: frameshift variant.
Genome position: GRCh38 VCF-style: chr17-73206753-C-CCG. GRCh37 (hg19) VCF-style: chr17-71202892-C-CCG.
Other names: short protein forms R889fs.
Identifiers: ClinVar variation 3728286 (VCV003728286.2).